The following is an entry in ClinVar:

ClinVar aggregate classification (germline): Likely benign. Review status: criteria provided, multiple submitters, no conflicts (2 of 4 stars). 2 submissions from 2 submitters: Likely benign (2). Last evaluated 2026-07-07.

Conditions:
CACNA1D-related disorder.

Allele frequency attached by ClinVar (database versions not stated): TOPMed below 0.00001; gnomAD 0.00001; gnomAD exomes 0.00001; ExAC 0.00002.
gnomAD v4.1: 15 of 1,613,804 alleles (0.00093%); highest among the groups gnomAD compares: Admixed American, 0.018%; no homozygotes.

Submissions (2):

PreventionGenetics, part of Exact Sciences
Classification: Likely benign for CACNA1D-related condition. Last evaluated: 2026-07-07. Review status: criteria provided, single submitter. Criteria: ACMG Guidelines, 2015. Collection method: clinical testing. Allele origin: germline.
Comment: This variant is classified as likely benign based on ACMG/AMP sequence variant interpretation guidelines (Richards et al. 2015 PMID: 25741868, with internal and published modifications).

Labcorp Genetics (formerly Invitae), Labcorp
Classification: Likely benign. Last evaluated: 2025-12-21. Review status: criteria provided, single submitter. Criteria: Invitae Variant Classification Sherloc (09022015). Collection method: clinical testing. Allele origin: germline.

NM_001128840.3(CACNA1D):c.1779C>T (p.Phe593=)

Gene: CACNA1D (calcium voltage-gated channel subunit alpha1 D; plus strand). Cytogenetic location: 3p21.1.
Variant type: single nucleotide variant.
Coding change: c.1779C>T on transcript NM_001128840.3 (MANE Select); coding-DNA position 1779, C replaced by T.
Protein change: p.Phe593=; no amino-acid change (phenylalanine 593 retained).
Molecular consequence: synonymous variant.
Genome position (GRCh38, 1-based): chr3:53,723,546, C>T. VCF-style: chr3-53723546-C-T. GRCh37 (hg19) VCF-style: chr3-53757573-C-T.
Other names: c.1839C>T (NM_000720.3); c.1839C>T, p.Phe613= (NM_000720.4); c.1779C>T, p.Phe593= (NM_001128839.3).
Identifiers: ClinVar variation 1969857 (VCV001969857.6), dbSNP rs766477598, ClinGen allele CA2454070.
Genomic context (GRCh38, chr3:53,723,546, plus strand): 5'-AATGTACAGCTTGGGCCTCCAAGCATATTTCGTCTCTCTTTTCAACCGGTTTGATTGCTT[C>T]GTGGTGTGTGGTGGAATCACTGAGACGATCTTGGTGGAACTGGAAATCATGTCTCCCCTG-3'
Protein context (NP_001122312.1, residues 583-603): FVSLFNRFDC[Phe593=]VVCGGITETI